The following is an entry in ClinVar:

NM_000128.4(F11):c.1627G>A (p.Glu543Lys)

Genes: F11 (coagulation factor XI; plus strand), F11-AS1 (F11 antisense RNA 1; minus strand). Cytogenetic location: 4q35.2.
Variant type: single nucleotide variant.
Coding change: c.1627G>A on transcript NM_000128.4 (MANE Select); coding-DNA position 1627, G replaced by A.
Protein change: p.Glu543Lys; replaces glutamic acid 543 with lysine.
Molecular consequence: missense variant.
Genome position (GRCh38, 1-based): chr4:186,287,734, G>A. VCF-style: chr4-186287734-G-A. GRCh37 (hg19) VCF-style: chr4-187208888-G-A.
Other names: p.Glu543Lys; short protein forms E543K.
Identifiers: ClinVar variation 551223 (VCV000551223.6), dbSNP rs142952627, ClinGen allele CA3164063.

ClinVar aggregate classification (germline): Uncertain significance. Review status: criteria provided, multiple submitters, no conflicts (2 of 4 stars). 5 submissions from 5 submitters: Uncertain significance (4). 1 of the submissions does not count toward it. Last evaluated 2025-06-04.

Conditions:
F11-related disorder. Also called: F11-related condition.
Hereditary factor XI deficiency disease. Also called: Congenital factor XI deficiency; PLASMA THROMBOPLASTIN ANTECEDENT DEFICIENCY; PTA DEFICIENCY; ROSENTHAL SYNDROME. Identifiers: Orphanet 329, MedGen C0015523, MeSH D005173, MONDO:0012897, OMIM 612416.

Allele frequency attached by ClinVar (database versions not stated): ESP Exome Variant Server 0.00008; gnomAD 0.00001; gnomAD exomes 0.00001; TOPMed 0.00001; ExAC 0.00002.
gnomAD v4.1: 10 of 1,613,318 alleles (0.00062%); highest among the groups gnomAD compares: East Asian, 0.0022%; no homozygotes.

Submissions (5):

Institute of Immunology and Genetics Kaiserslautern
Classification: Uncertain significance for Hereditary factor XI deficiency disease. Last evaluated: 2025-06-04. Review status: criteria provided, single submitter. Criteria: ACMG Guidelines, 2015. Collection method: clinical testing. Allele origin: germline. Affected: yes.
Comment: ACMG Criteria: PM2_P, PP4; Variant was found in heterozygous state.

PreventionGenetics, part of Exact Sciences
Classification: Uncertain significance for F11-related condition. Last evaluated: 2025-01-24. Review status: criteria provided, single submitter. Criteria: ACMG Guidelines, 2015. Collection method: clinical testing. Allele origin: germline.
Comment: The F11 c.1627G>A variant is predicted to result in the amino acid substitution p.Glu543Lys. This variant has been reported in an individual with partial FXI deficiency; however, it is also observed in the heterozygous father, who had FXI clotting activity levels slightly above the lower limit of the normal range (Keskin et al. 2015. PubMed ID: 25158988). This variant is reported in 0.0018% of alleles in individuals of European (Non-Finnish) descent in gnomAD. At this time, the clinical significance of this variant is uncertain due to the absence of conclusive functional and genetic evidence.

Mayo Clinic Laboratories, Mayo Clinic
Classification: Uncertain significance. Last evaluated: 2024-04-22. Review status: criteria provided, single submitter. Criteria: ACMG Guidelines, 2015. Collection method: clinical testing. Allele origin: germline. Observed: 1 variant allele.
Comment: PM1_supporting, PM2_moderate

GeneDx
Classification: Uncertain significance. Last evaluated: 2024-03-05. Review status: criteria provided, single submitter. Criteria: GeneDx Variant Classification Process June 2021. Collection method: clinical testing. Allele origin: germline. Affected: yes.
Comment: Not observed at significant frequency in large population cohorts (gnomAD); In silico analysis supports that this missense variant does not alter protein structure/function; This variant is associated with the following publications: (PMID: 34426522, 25158988)

Counsyl
Classification: Uncertain significance for Hereditary factor XI deficiency disease. Last evaluated: 2017-04-04. Review status: no assertion criteria provided. Collection method: clinical testing. Allele origin: unknown. Not counted in ClinVar's aggregate classification.

Literature cited by the submitters: PubMed 25158988 (cited by Mayo Clinic Laboratories, Mayo Clinic and Counsyl); PubMed 34426522 (cited by Mayo Clinic Laboratories, Mayo Clinic).